The following is an entry in ClinVar:

NM_001271938.2(MEGF8):c.1378A>G (p.Met460Val)

Gene: MEGF8 (multiple EGF like domains 8; plus strand). Cytogenetic location: 19q13.2.
Variant type: single nucleotide variant.
Coding change: c.1378A>G on transcript NM_001271938.2 (MANE Select); coding-DNA position 1378, A replaced by G.
Protein change: p.Met460Val; replaces methionine 460 with valine.
Molecular consequence: missense variant.
Genome position (GRCh38, 1-based): chr19:42,336,940, A>G. VCF-style: chr19-42336940-A-G. GRCh37 (hg19) VCF-style: chr19-42841092-A-G.
Other names: c.1378A>G, p.Met460Val (NM_001410.3); short protein forms M460V.
Identifiers: ClinVar variation 862457 (VCV000862457.1), dbSNP rs764773192, ClinGen allele CA9474424.

ClinVar aggregate classification (germline): Uncertain significance (1 of 4 stars; one submission).

Conditions:
MEGF8-related Carpenter syndrome. Also called: Carpenter syndrome 2. Identifiers: Orphanet 65759, MedGen C3554247, MONDO:0013998, OMIM 614976.

Allele frequency attached by ClinVar (database versions not stated): gnomAD exomes below 0.00001; ExAC 0.00001; TOPMed 0.00002.
gnomAD v4.1: 3 of 1,613,784 alleles (0.00019%); highest among the groups gnomAD compares: Middle Eastern, 0.017%; no homozygotes.

Submission:

Labcorp Genetics (formerly Invitae), Labcorp
Classification: Uncertain significance for Carpenter syndrome 2. Last evaluated: 2019-12-11. Review status: criteria provided, single submitter. Criteria: Invitae Variant Classification Sherloc (09022015). Collection method: clinical testing. Allele origin: germline.
Comment: This sequence change replaces methionine with valine at codon 460 of the MEGF8 protein (p.Met460Val). The methionine residue is highly conserved and there is a small physicochemical difference between methionine and valine. This variant is present in population databases (rs764773192, ExAC 0.01%). This variant has not been reported in the literature in individuals with MEGF8-related conditions. Algorithms developed to predict the effect of missense changes on protein structure and function are either unavailable or do not agree on the potential impact of this missense change (SIFT: "Deleterious"; PolyPhen-2: "Benign"; Align-GVGD: "Class C0"). In summary, the available evidence is currently insufficient to determine the role of this variant in disease. Therefore, it has been classified as a Variant of Uncertain Significance.